The following is an entry in ClinVar:

ClinVar aggregate classification (germline): Uncertain significance (1 of 4 stars; one submission).

Submission:

Mayo Clinic Laboratories, Mayo Clinic
Classification: Uncertain significance. Last evaluated: 2022-07-19. Review status: criteria provided, single submitter. Criteria: ACMG Guidelines, 2015. Collection method: clinical testing. Allele origin: germline. Observed: 2 variant alleles.
Comment: PM2

NM_000642.3(AGL):c.959-18delinsATCTTTTCTTTCTTTTAGAAAATAGTGACAGTTTTAATCTCTTTGTAGATATTTGCATTTAAGGTATCA

Gene: AGL (amylo-alpha-1,6-glucosidase and 4-alpha-glucanotransferase; plus strand). Cytogenetic location: 1p21.2.
Variant type: Indel.
Coding change: c.959-18delinsATCTTTTCTTTCTTTTAGAAAATAGTGACAGTTTTAATCTCTTTGTAGATATTTGCATTTAAGGTATCA on transcript NM_000642.3 (MANE Select); 18 bases into the intron before coding-DNA position 959, the reference bases replaced by an inserted sequence.
Molecular consequence: intron variant.
Genome position (GRCh38, 1-based): chr1:99,874,669, one base replaced. GRCh37 (hg19), VCF-style position (the base before the change): chr1:100,340,225.
Other names: c.959-18delinsATCTTTTCTTTCTTTTAGAAAATAGTGACAGTTTTAATCTCTTTGTAGATATTTGCATTTAAGGTATCA (NM_000643.3, NM_000644.3, NM_001425326.1 and 3 more transcripts); c.911-18delinsATCTTTTCTTTCTTTTAGAAAATAGTGACAGTTTTAATCTCTTTGTAGATATTTGCATTTAAGGTATCA (NM_000646.3); c.755-18delinsATCTTTTCTTTCTTTTAGAAAATAGTGACAGTTTTAATCTCTTTGTAGATATTTGCATTTAAGGTATCA (NM_001425328.1, NM_001425329.1); c.581-18delinsATCTTTTCTTTCTTTTAGAAAATAGTGACAGTTTTAATCTCTTTGTAGATATTTGCATTTAAGGTATCA (NM_001425332.1).
Identifiers: ClinVar variation 2683719 (VCV002683719.1), dbSNP rs2524593388, ClinGen allele CA2697552542.